The following is an entry in ClinVar:

ClinVar aggregate classification (germline): Likely pathogenic. Review status: criteria provided, multiple submitters, no conflicts (2 of 4 stars). 6 submissions from 6 submitters: Likely pathogenic (5). 1 of the submissions does not count toward it. Last evaluated 2026-05-11.

Conditions:
Thoracic aortic aneurysm or dissection.
ASPH-related disorder. Also called: ASPH-related condition.
Facial dysmorphism-lens dislocation-anterior segment abnormalities-spontaneous filtering blebs syndrome. Also called: TRABOULSI SYNDROME; Facial dysmorphism, lens dislocation, anterior segment abnormalities, and spontaneous filtering blebs. Identifiers: Orphanet 412022, MedGen C1832167, MONDO:0011106, OMIM 601552.

Allele frequency attached by ClinVar (database versions not stated): gnomAD 0.00004; gnomAD exomes 0.00002; ESP Exome Variant Server 0.00008; 1000 Genomes Project 0.00020; TOPMed 0.00003; 1000 Genomes Project 30x 0.00016; ExAC 0.00003.

Submissions (6):

PreventionGenetics, part of Exact Sciences
Classification: Likely pathogenic for ASPH-related condition. Last evaluated: 2026-05-11. Review status: criteria provided, single submitter. Criteria: ACMG Guidelines, 2015. Collection method: clinical testing. Allele origin: germline.
Comment: The ASPH c.2203C>T variant is predicted to result in the amino acid substitution p.Arg735Trp. This variant was reported in the homozygous and compound heterozygous states in individuals with Traboulsi syndrome (Patel et al. 2014. PubMed ID: 24768550; Supplemental Table S1, Haarman et al. 2022. PubMed ID: 35567543; Supplementary Data 1, AlAbdi et al. 2023. PubMed ID: 37644014). Protein modeling indicates this variant results in disrupted zinc co-factor binding (Patel et al. 2014. PubMed ID: 24768550). This variant is reported in 0.0066% of alleles in individuals of South Asian descent in gnomAD. In addition, another variant affecting the same residue (p.Arg735Gln) has been reported in the homozygous and compound heterozygous states in individuals with Traboulsi syndrome (Siggs et al. 2019. PubMed ID: 30600741; referred to as c.2425G>A, Senthil et al. 2021. PubMed ID: 33251883). Taken together, the c.2203C>T (p.Arg735Trp) variant is interpreted as likely pathogenic.

GeneDx
Classification: Likely pathogenic. Last evaluated: 2026-04-15. Review status: criteria provided, single submitter. Criteria: GeneDx Variant Classification Process June 2021. Collection method: clinical testing. Allele origin: germline.
Comment: In silico analysis supports that this missense variant has a deleterious effect on protein structure/function; Not observed at significant frequency in large population cohorts (gnomAD); This variant is associated with the following publications: (PMID: 23687502, 11241487, 38839574, 41354343, 24768550, 37644014, 35567543)

Dasa
Classification: Likely pathogenic. Last evaluated: 2026-02-19. Review status: criteria provided, single submitter. Criteria: DASA Assertion Criteria. Collection method: clinical testing. Allele origin: germline.
Comment: NM_004318.4(ASPH):c.2203C>T (p.Arg735Trp) is a missense variant that results in the substitution of arginine with tryptophan. The affected residue or protein region has prior evidence supporting clinical relevance. This variant has been reported in individuals with ASPH-related disorders (PMID: 24768550). Functional evidence supports an impact on the gene or gene product (PMID: 24768550). Also, this variant is rare in population databases. Computational evidence supports a deleterious effect. Based on the currently available evidence, this variant is classified as likely pathogenic.

NHS Central & South Genomic Laboratory Hub
Classification: Likely pathogenic for Thoracic aortic aneurysm or dissection. Last evaluated: 2025-04-09. Review status: criteria provided, single submitter. Criteria: ACMG Guidelines, 2015. Collection method: clinical testing. Allele origin: germline. Affected: yes.

First Genomix Gene Laboratory, Genetic Diagnostics Department
Classification: Likely pathogenic for Facial dysmorphism-lens dislocation-anterior segment abnormalities-spontaneous filtering blebs syndrome. Last evaluated: 2025-03-27. Review status: criteria provided, single submitter. Criteria: ACMG Guidelines, 2015. Collection method: clinical testing. Allele origin: germline. Inheritance: Autosomal recessive inheritance. Affected: no. Observed: 1 variant allele.

OMIM
Classification: Pathogenic for TRABOULSI SYNDROME. Last evaluated: 2014-05-01. Review status: no assertion criteria provided. Collection method: literature only. Allele origin: germline. Not counted in ClinVar's aggregate classification.

Literature cited by the submitters: PubMed 24768550 (cited by Dasa and OMIM); PubMed 41354343 (cited by Dasa); PubMed 32174599 (cited by Dasa); PubMed 31659163 (cited by Dasa); PubMed 27219052 (cited by Dasa); PubMed 23687502 (cited by OMIM); PubMed 11241487 (cited by OMIM).

NM_004318.4(ASPH):c.2203C>T (p.Arg735Trp)

Gene: ASPH (aspartate beta-hydroxylase; minus strand). Cytogenetic location: 8q12.3.
Variant type: single nucleotide variant.
Coding change: c.2203C>T on transcript NM_004318.4 (MANE Select); coding-DNA position 2203, C replaced by T.
Protein change: p.Arg735Trp; replaces arginine 735 with tryptophan.
Molecular consequence: missense variant.
Genome position (GRCh38, 1-based): chr8:61,503,433, G>A on the plus strand (C>T on the coding strand, the complement: ASPH is on the minus strand). VCF-style: chr8-61503433-G-A. GRCh37 (hg19) VCF-style: chr8-62415992-G-A.
Other names: c.2116C>T, p.Arg706Trp (NM_001164750.2); short protein forms R735W, R706W.
Identifiers: ClinVar variation 137615 (VCV000137615.9), dbSNP rs374385878, ClinGen allele CA4761483.